The following is an entry in ClinVar:

ClinVar aggregate classification (germline): Likely pathogenic (1 of 4 stars; one submission).

Conditions:
Deficiency of alpha-mannosidase (MANSA). Also called: Alpha-Mannosidosis; LYSOSOMAL ALPHA-D-MANNOSIDASE DEFICIENCY; Mannosidosis, alpha-, types I and II. Identifiers: Orphanet 61, MedGen C0024748, MONDO:0009561, OMIM 248500.

Submission:

Labcorp Genetics (formerly Invitae), Labcorp
Classification: Likely pathogenic for Deficiency of alpha-mannosidase. Last evaluated: 2023-06-23. Review status: criteria provided, single submitter. Criteria: Invitae Variant Classification Sherloc (09022015). Collection method: clinical testing. Allele origin: germline.
Comment: This variant is not present in population databases (gnomAD no frequency). In summary, the currently available evidence indicates that the variant is pathogenic, but additional data are needed to prove that conclusively. Therefore, this variant has been classified as Likely Pathogenic. Algorithms developed to predict the effect of sequence changes on RNA splicing suggest that this variant may disrupt the consensus splice site. This variant has not been reported in the literature in individuals affected with MAN2B1-related conditions. This sequence change affects an acceptor splice site in intron 22 of the MAN2B1 gene. It is expected to disrupt RNA splicing. Variants that disrupt the donor or acceptor splice site typically lead to a loss of protein function (PMID: 16199547), and loss-of-function variants in MAN2B1 are known to be pathogenic (PMID: 9915946, 22161967).

Literature cited by the submitters: PubMed 16199547; PubMed 9915946; PubMed 22161967.

NM_000528.4(MAN2B1):c.2821-2A>G

Gene: MAN2B1 (mannosidase alpha class 2B member 1; minus strand). Cytogenetic location: 19p13.13.
Variant type: single nucleotide variant.
Coding change: c.2821-2A>G on transcript NM_000528.4 (MANE Select); the canonical splice acceptor site of the intron before coding-DNA position 2821, A replaced by G.
Molecular consequence: splice acceptor variant.
Genome position (GRCh38, 1-based): chr19:12,647,337, T>C on the plus strand (A>G on the coding strand, the complement: MAN2B1 is on the minus strand). VCF-style: chr19-12647337-T-C. GRCh37 (hg19) VCF-style: chr19-12758151-T-C.
Other names: c.2818-2A>G (NM_001173498.2).
Identifiers: ClinVar variation 2725188 (VCV002725188.3), dbSNP rs2512484545, ClinGen allele CA404237593.